The following continues an entry in ClinVar:

NM_005476.7(GNE):c.2086G>A (p.Val696Met)

Gene: GNE. ClinVar aggregate classification (germline): Conflicting classifications of pathogenicity. Pathogenic (21); Likely pathogenic (10); Uncertain significance (1).

Submissions 30 to 41 of 41:

Lifecell International Pvt. Ltd
Classification: Pathogenic for GNE myopathy. Review status: criteria provided, single submitter. Criteria: ACMG Guidelines, 2015. Collection method: clinical testing. Allele origin: germline. Inheritance: Autosomal recessive inheritance. Affected: yes. Observed: 1 compound heterozygote.
Comment: A Heterozygous Missense variant c.2086G>A in Exon 12 of the GNE gene that results in the amino acid substitution p.Val696Met was identified. The observed variant has a maximum allele frequency of 0.00167/0.00010% in gnomAD exomes and genomes, respectively. The severity of the impact of this variant on the protein is medium, based on the effect of the protein and REVEL score . Rare Exome Variant Ensemble Learner (REVEL) is an ensembl method for predicting the pathogenicity of missense variants based on a combination of scores from 13 individual tools: MutPred, FATHMM v2.3, VEST 3.0, PolyPhen-2, SIFT, PROVEAN, MutationAssessor, MutationTaster, LRT, GERP++, SiPhy, phyloP, and phastCons. The REVEL score for an individual missense variant can range from 0 to 1, with higher scores reflecting greater likelihood that the variant is disease-causing. ClinVar has also classified this variant as Pathogenic (variant ID: 430940). This variant was reported among patients for myopathies in the Indian Subcontinent (Chakravorty S et al., 2020). Based on the above evidence this variant has been classified as Pathogenic according to the ACMG guidelines.

Neuberg Centre For Genomic Medicine, NCGM
Classification: Pathogenic for GNE myopathy. Review status: criteria provided, single submitter. Criteria: ACMG Guidelines, 2015. Collection method: clinical testing. Allele origin: germline. Inheritance: Autosomal recessive inheritance. Affected: yes.
Comment: This variant is also known as c.2179G>A (p.Val727Met) [NM_001128227.3]. It has also been observed to segregate with disease in related individuals. This variant is present in a mutational hotspot and has been reported as a founder mutation in the Indian population (Bhattacharya et al., 2018).

Neuberg Centre For Genomic Medicine, NCGM
Classification: Pathogenic for Thrombocytopenia 12 with or without myopathy. Review status: criteria provided, single submitter. Criteria: ACMG Guidelines, 2015. Collection method: clinical testing. Allele origin: germline. Inheritance: Autosomal recessive inheritance. Affected: yes.

Biochemistry Department, Nishtar Medical University
Classification: Likely pathogenic for GNE myopathy. Last evaluated: 2024-03-22. Review status: no assertion criteria provided. Collection method: clinical testing. Allele origin: germline. Affected: yes. Observed: 1 variant allele. Not counted in ClinVar's aggregate classification.

Reproductive Health Research and Development, BGI Genomics
Classification: Likely pathogenic for Nonaka myopathy. Last evaluated: 2020-01-06. Review status: no assertion criteria provided. Collection method: curation. Allele origin: germline. Not counted in ClinVar's aggregate classification.
Comment: NM_001128227.2:c.2179G>A in the GNE gene has an allele frequency of 0.013 in South Asian subpopulation in the gnomAD database. This variant has been reported in the compound heterozygous state with p.R160X in a patient with GNE myopathy (PMID: 25182749), and in another four cases in the compound heterozygous state with c. 910G>A, c. 1258C>T, c. 1539G>A, and c. 1703G>T(PMID: 24005727). This variant has been reported to segregate with GNE myopathy in affected families (PMID: 21708040; 28717665; 27829678). Taken together, we interprete this variant as Pathogenic/Likely pathogenic variant. ACMG/AMP Criteria applied: PM3_Strong; PP1_Moderate; PP4.

Counsyl
Classification: Uncertain significance for GNE myopathy. Last evaluated: 2019-06-13. Review status: no assertion criteria provided. Collection method: clinical testing. Allele origin: unknown. Not counted in ClinVar's aggregate classification.

Foundation for Research in Genetics and Endocrinology, FRIGE's Institute of Human Genetics
Classification: Pathogenic for GNE myopathy. Last evaluated: 2018-12-04. Review status: no assertion criteria provided. Collection method: clinical testing. Allele origin: germline. Inheritance: Autosomal recessive inheritance. Affected: yes. Observed: 1 compound heterozygote. Not counted in ClinVar's aggregate classification.
Comment: The observed variant c.2179G>A (p.V727M) is a known pathogenic variant found very commonly in Indian patients related to GNE Myopathy, has been observed in compound heterozygous status with the other observed variant c.97G>T (p.E33X), which has not been reported in 1000 Genomes and ExAC databases but its in-silico prediction was found to be pathogenic by PolyPhen-2, MutationTaster2 and SIFT.

Division of Human Genetics, Children's Hospital of Philadelphia
Classification: Pathogenic for Sialuria; GNE myopathy. Last evaluated: 2015-06-15. Review status: no assertion criteria provided. Collection method: research. Allele origin: paternal. Study: CSER-PediSeq. Not counted in ClinVar's aggregate classification.

Division of Human Genetics, Children's Hospital of Philadelphia
Classification: Pathogenic for Inclusion body myopathy, autosomal recessive. Last evaluated: 2014-06-23. Review status: no assertion criteria provided. Collection method: research. Allele origin: germline. Affected: no. Study: CSER-PediSeq. Not counted in ClinVar's aggregate classification.
Comment: This variant (c. 2086G>A; p.V696M) has been previously reported as a pathogenic variant in individuals of Indian and Thai origin. It has been shown to segregate with disease in at least one family, including 3 affected and 4 unaffected individuals (Eisenberg et al 2001; Boyden et al 2011: Liewluck et al 2006; Eisenberg et al 2003).

OMIM
Classification: Pathogenic for NONAKA MYOPATHY. Last evaluated: 2001-09-01. Review status: no assertion criteria provided. Collection method: literature only. Allele origin: germline. Not counted in ClinVar's aggregate classification.

GeneReviews
No classification provided. Condition: GNE myopathy. Review status: no classification provided. Collection method: literature only. Allele origin: germline. Not counted in ClinVar's aggregate classification.

Hong-Tao Li Lab, Institute of Brain Science and Brain-inspired Research, Shandong First Medical University & Shandong Academy of Medical Sciences China
Classification: Uncertain significance for Sialuria. Review status: no assertion criteria provided. Collection method: research. Allele origin: germline. Inheritance: Autosomal dominant inheritance. Affected: yes. Observed: 1 variant allele, 1 heterozygote. Not counted in ClinVar's aggregate classification.
Comment: Observed in affected individuals from a Pakistani neurodevelopmental-disorder research cohort of 263 individuals. Classification assigned using the ACMG/AMP framework. Population-frequency evidence: gnomAD AF 0.001492.

Literature cited by the submitters: PubMed 29480215 (cited by 6 submitters); PubMed 11528398 (cited by 10 submitters); PubMed 12497639 (cited by 3 submitters); PubMed 20175955 (cited by 4 submitters); PubMed 21708040 (cited by 6 submitters); PubMed 23437777 (cited by Labcorp Genetics (formerly Invitae), Labcorp and Counsyl); PubMed 24005727 (cited by 3 submitters); PubMed 25182749 (cited by 3 submitters); PubMed 27829678 (cited by 3 submitters); PubMed 28320138 (cited by 4 submitters); PubMed 28717665 (cited by 3 submitters); PubMed 27535533 (cited by Women's Health and Genetics/Laboratory Corporation of America, LabCorp and OMIM); PubMed 27858732 (cited by 5 submitters); PubMed 33250842 (cited by 5 submitters); PubMed 30842975 (cited by Women's Health and Genetics/Laboratory Corporation of America, LabCorp); PubMed 34825065 (cited by Women's Health and Genetics/Laboratory Corporation of America, LabCorp); PubMed 24695763 (cited by 3 submitters); PubMed 35398442 (cited by Variantyx, Inc. and Mayo Clinic Laboratories, Mayo Clinic); PubMed 30990900 (cited by Victorian Clinical Genetics Services, Murdoch Childrens Research Institute and Counsyl); PubMed 23842869 (cited by Victorian Clinical Genetics Services, Murdoch Childrens Research Institute); PubMed 16810679 (cited by 3 submitters); PubMed 20301439 (cited by Illumina Laboratory Services, Illumina and GeneReviews); PubMed 2479670 (cited by Illumina Laboratory Services, Illumina); PubMed 22196754 (cited by Counsyl); PubMed 28641925 (cited by Counsyl); PubMed 20059379 (cited by Counsyl); PubMed 25617006 (cited by Counsyl); PubMed 24796702 (cited by Counsyl); PubMed 23806237 (cited by Counsyl); PubMed 27457812 (cited by Counsyl); PubMed 21294420 (cited by Counsyl); PubMed 25123033 (cited by Counsyl); PubMed 14972325 (cited by Counsyl); PubMed 24707269 (cited by Counsyl); PubMed 18555875 (cited by Counsyl); PubMed 12743242 (cited by GeneReviews).